The following is an entry in ClinVar:

ClinVar aggregate classification (germline): Conflicting classifications of pathogenicity. Review status: criteria provided, conflicting classifications (1 of 4 stars). 4 submissions from 4 submitters: Likely pathogenic (2); Uncertain significance (2). Last evaluated 2026-03-23.

Conditions:
OCA2-related disorder. Also called: OCA2-related condition.
Inborn genetic diseases. Identifiers: MedGen C0950123, MeSH D030342.

Allele frequency attached by ClinVar (database versions not stated): gnomAD 0.00002; TOPMed 0.00002.
gnomAD v4.1: 4 of 1,613,966 alleles (0.00025%); highest among the groups gnomAD compares: African/African-American, 0.0053%; no homozygotes.

Submissions (4):

Ambry Genetics
Classification: Likely pathogenic for Inborn genetic diseases. Last evaluated: 2026-03-23. Review status: criteria provided, single submitter. Criteria: Ambry Variant Classification Scheme 2023. Collection method: clinical testing. Allele origin: germline.
Comment: The c.1118G>T (p.R373I) alteration is located in exon 11 (coding exon 10) of the OCA2 gene. This alteration results from a G to T substitution at nucleotide position 1118, causing the arginine (R) at amino acid position 373 to be replaced by an isoleucine (I). This variant was not reported in population-based cohorts in the Genome Aggregation Database (gnomAD). This variant has been identified in the homozygous state and/or in conjunction with other OCA2 variant(s) in individual(s) with features consistent with OCA2-related oculocutaneous albinism (Lasseaux, 2018; external communication). This amino acid position is highly conserved in available vertebrate species. This alteration is predicted to be deleterious by in silico analysis. Based on the available evidence, this alteration is classified as likely pathogenic.

Labcorp Genetics (formerly Invitae), Labcorp
Classification: Uncertain significance. Last evaluated: 2024-06-25. Review status: criteria provided, single submitter. Criteria: Invitae Variant Classification Sherloc (09022015). Collection method: clinical testing. Allele origin: germline.
Comment: This sequence change replaces arginine, which is basic and polar, with isoleucine, which is neutral and non-polar, at codon 373 of the OCA2 protein (p.Arg373Ile). This variant is not present in population databases (gnomAD no frequency). This missense change has been observed in individuals with oculocutaneous albinism (PMID: 29345414; Invitae). ClinVar contains an entry for this variant (Variation ID: 1304555). An algorithm developed to predict the effect of missense changes on protein structure and function (PolyPhen-2) suggests that this variant is likely to be disruptive. In summary, the available evidence is currently insufficient to determine the role of this variant in disease. Therefore, it has been classified as a Variant of Uncertain Significance.

GeneDx
Classification: Uncertain significance. Last evaluated: 2024-05-08. Review status: criteria provided, single submitter. Criteria: GeneDx Variant Classification Process June 2021. Collection method: clinical testing. Allele origin: germline. Affected: yes.
Comment: Reported heterozygous in a patient with albinism but no further genotype or phenotype information was provided (PMID: 29345414); Not observed at significant frequency in large population cohorts (gnomAD); In silico analysis supports that this missense variant has a deleterious effect on protein structure/function; This variant is associated with the following publications: (PMID: 29345414)

Blueprint Genetics
Classification: Likely pathogenic for OCA2-related disorders. Last evaluated: 2022-10-18. Review status: criteria provided, single submitter. Criteria: ACMG Guidelines, 2015. Collection method: clinical testing. Allele origin: germline. Affected: yes. Observed: 2 variant alleles.

Literature cited by the submitters: PubMed 29345414 (cited by Ambry Genetics and Labcorp Genetics (formerly Invitae), Labcorp).

NM_000275.3(OCA2):c.1118G>T (p.Arg373Ile)

Gene: OCA2 (OCA2 melanosomal transmembrane protein; minus strand). Cytogenetic location: 15q13.1.
Variant type: single nucleotide variant.
Coding change: c.1118G>T on transcript NM_000275.3 (MANE Select); coding-DNA position 1118, G replaced by T.
Protein change: p.Arg373Ile; replaces arginine 373 with isoleucine.
Molecular consequence: missense variant.
Genome position (GRCh38, 1-based): chr15:27,989,665, C>A on the plus strand (G>T on the coding strand, the complement: OCA2 is on the minus strand). VCF-style: chr15-27989665-C-A. GRCh37 (hg19) VCF-style: chr15-28234811-C-A.
Other names: c.1046G>T, p.Arg349Ile (NM_001300984.2); short protein forms R349I, R373I.
Identifiers: ClinVar variation 1304555 (VCV001304555.12), dbSNP rs1444457881, ClinGen allele CA391362130.